The following is an entry in ClinVar:

ClinVar aggregate classification (germline): Uncertain significance (1 of 4 stars; one submission).

Allele frequency attached by ClinVar (database versions not stated): ExAC 0.00002; gnomAD exomes 0.00002 and 0.00004; gnomAD 0.00004; TOPMed 0.00005; ESP Exome Variant Server 0.00008.
gnomAD v4.1: 70 of 1,613,982 alleles (0.0043%); highest among the groups gnomAD compares: Non-Finnish European, 0.0053%; no homozygotes.

Submission:

Labcorp Genetics (formerly Invitae), Labcorp
Classification: Uncertain significance. Last evaluated: 2025-05-05. Review status: criteria provided, single submitter. Criteria: Invitae Variant Classification Sherloc (09022015). Collection method: clinical testing. Allele origin: germline.
Comment: This sequence change replaces tyrosine, which is neutral and polar, with histidine, which is basic and polar, at codon 1006 of the ADGRA3 protein (p.Tyr1006His). This variant is present in population databases (rs376335542, gnomAD 0.004%). This variant has not been reported in the literature in individuals affected with ADGRA3-related conditions. ClinVar contains an entry for this variant (Variation ID: 1011616). An algorithm developed to predict the effect of missense changes on protein structure and function (PolyPhen-2) suggests that this variant is likely to be disruptive. In summary, the available evidence is currently insufficient to determine the role of this variant in disease. Therefore, it has been classified as a Variant of Uncertain Significance.

NM_145290.4(ADGRA3):c.3016T>C (p.Tyr1006His)

Gene: ADGRA3 (adhesion G protein-coupled receptor A3; minus strand). Cytogenetic location: 4p15.2.
Variant type: single nucleotide variant.
Coding change: c.3016T>C on transcript NM_145290.4 (MANE Select); coding-DNA position 3016, T replaced by C.
Protein change: p.Tyr1006His; replaces tyrosine 1006 with histidine.
Molecular consequence: missense variant.
Genome position (GRCh38, 1-based): chr4:22,388,655, A>G on the plus strand (T>C on the coding strand, the complement: ADGRA3 is on the minus strand). VCF-style: chr4-22388655-A-G. GRCh37 (hg19) VCF-style: chr4-22390278-A-G.
Other names: short protein forms Y1006H.
Identifiers: ClinVar variation 1011616 (VCV001011616.8), dbSNP rs376335542, ClinGen allele CA2873465.